The following is an entry in ClinVar:

ClinVar aggregate classification (germline): Pathogenic (1 of 4 stars; one submission).

Conditions:
Nemaline myopathy 2 (NEM2). Also called: Nemaline myopathy 2, autosomal recessive. Identifiers: MedGen C1850569, MONDO:0009725, OMIM 256030.

Submission:

Labcorp Genetics (formerly Invitae), Labcorp
Classification: Pathogenic for Nemaline myopathy 2. Last evaluated: 2023-10-26. Review status: criteria provided, single submitter. Criteria: Invitae Variant Classification Sherloc (09022015). Collection method: clinical testing. Allele origin: germline.
Comment: This sequence change creates a premature translational stop signal (p.Trp1997*) in the NEB gene. It is expected to result in an absent or disrupted protein product. Loss-of-function variants in NEB are known to be pathogenic (PMID: 25205138). This variant is not present in population databases (gnomAD no frequency). This variant has not been reported in the literature in individuals affected with NEB-related conditions. For these reasons, this variant has been classified as Pathogenic.

Literature cited by the submitters: PubMed 25205138.

NM_001164508.2(NEB):c.5991_5992del (p.Trp1997_Glu1998delinsTer)

Gene: NEB (nebulin; minus strand). Cytogenetic location: 2q23.3.
Variant type: Deletion.
Coding change: c.5991_5992del on transcript NM_001164508.2 (MANE Select); coding-DNA positions 5991 to 5992, 2 bases deleted (GG; older notation c.5991_5992delGG).
Protein change: p.Trp1997_Glu1998delinsTer.
Molecular consequence: nonsense.
Genome position (GRCh38, 1-based): chr2:151,659,148-151,659,149, CC deleted on the plus strand (GG on the coding strand, the reverse complement: NEB is on the minus strand); deleting any 2 consecutive bases within chr2:151,659,148-151,659,150 gives the same sequence; the c. name uses the placement nearest the transcript's 3' end. VCF-style (leftmost placement, unchanged base first): chr2-151659147-TCC-T. GRCh37 (hg19) VCF-style: chr2-152515661-TCC-T.
Other names: c.5991_5992del, p.Trp1997_Glu1998delinsTer (NM_001164507.2, NM_001271208.2, NM_004543.5).
Identifiers: ClinVar variation 2771924 (VCV002771924.3), dbSNP rs2552254257, ClinGen allele CA2697551138.